The following is an entry in ClinVar:

NM_002541.4(OGDH):c.358G>A (p.Val120Met)

Gene: OGDH (oxoglutarate dehydrogenase; plus strand). Cytogenetic location: 7p13.
Variant type: single nucleotide variant.
Coding change: c.358G>A on transcript NM_002541.4 (MANE Select); coding-DNA position 358, G replaced by A.
Protein change: p.Val120Met; replaces valine 120 with methionine.
Molecular consequence: missense variant.
Genome position (GRCh38, 1-based): chr7:44,645,462, G>A. VCF-style: chr7-44645462-G-A. GRCh37 (hg19) VCF-style: chr7-44685061-G-A.
Other names: c.358G>A, p.Val120Met (NM_001003941.3, NM_001165036.2, NM_001363523.2 and 3 more transcripts); short protein forms V120M.
Identifiers: ClinVar variation 4798090 (VCV004798090.1).

ClinVar aggregate classification (germline): Uncertain significance (1 of 4 stars; one submission).

Conditions:
Oxoglutaricaciduria. Identifiers: Orphanet 31, MedGen C2752074, MONDO:0008759, OMIM 203740.

gnomAD v4.1: 23 of 1,614,190 alleles (0.0014%); highest among the groups gnomAD compares: Admixed American, 0.0033%; no homozygotes.

Submission:

Labcorp Genetics (formerly Invitae), Labcorp
Classification: Uncertain significance for Oxoglutaricaciduria. Last evaluated: 2025-05-13. Review status: criteria provided, single submitter. Criteria: Invitae Variant Classification Sherloc (09022015). Collection method: clinical testing. Allele origin: germline.
Comment: This sequence change replaces valine, which is neutral and non-polar, with methionine, which is neutral and non-polar, at codon 120 of the OGDH protein (p.Val120Met). This variant is present in population databases (rs144802443, gnomAD 0.008%). This variant has not been reported in the literature in individuals affected with OGDH-related conditions. Invitae Evidence Modeling of protein sequence and biophysical properties (such as structural, functional, and spatial information, amino acid conservation, physicochemical variation, residue mobility, and thermodynamic stability) indicates that this missense variant is not expected to disrupt OGDH protein function with a negative predictive value of 80%. In summary, the available evidence is currently insufficient to determine the role of this variant in disease. Therefore, it has been classified as a Variant of Uncertain Significance.